The following is an entry in ClinVar:

ClinVar aggregate classification (germline): Pathogenic (1 of 4 stars; one submission).

Conditions:
T-cell immunodeficiency, congenital alopecia, and nail dystrophy. Also called: Congenital alopecia and nail dystrophy associated with severe functional T-cell immunodeficiency; Pignata Guarino syndrome. Identifiers: Orphanet 169095, MedGen C1866426, MONDO:0011132, OMIM 601705.

Submission:

Labcorp Genetics (formerly Invitae), Labcorp
Classification: Pathogenic for T-cell immunodeficiency, congenital alopecia, and nail dystrophy. Last evaluated: 2023-11-25. Review status: criteria provided, single submitter. Criteria: Invitae Variant Classification Sherloc (09022015). Collection method: clinical testing. Allele origin: germline.
Comment: This sequence change creates a premature translational stop signal (p.Pro428Glnfs*122) in the FOXN1 gene. While this is not anticipated to result in nonsense mediated decay, it is expected to disrupt the last 221 amino acid(s) of the FOXN1 protein. This variant is not present in population databases (gnomAD no frequency). This variant has not been reported in the literature in individuals affected with FOXN1-related conditions. ClinVar contains an entry for this variant (Variation ID: 654271). This variant disrupts a region of the FOXN1 protein in which other variant(s) (p.Gln489Argfs*61) have been determined to be pathogenic (PMID: 31566583). This suggests that this is a clinically significant region of the protein, and that variants that disrupt it are likely to be disease-causing. For these reasons, this variant has been classified as Pathogenic.

Literature cited by the submitters: PubMed 31566583.

NM_001369369.1(FOXN1):c.1283del (p.Pro428fs)

Gene: FOXN1 (forkhead box N1; plus strand). Cytogenetic location: 17q11.2.
Variant type: Deletion.
Coding change: c.1283del on transcript NM_001369369.1 (MANE Select); coding-DNA position 1283, one base deleted (C; older notation c.1283delC).
Protein change: p.Pro428fs; shifts the reading frame from proline 428.
Molecular consequence: frameshift variant.
Genome position (GRCh38, 1-based): chr17:28,534,854, C deleted; the last of 3 consecutive C bases (chr17:28,534,852-28,534,854); deleting any one gives the same sequence. VCF-style (leftmost placement, unchanged base first): chr17-28534851-AC-A. GRCh37 (hg19) VCF-style: chr17-26861869-AC-A.
Other names: c.1283del, p.Pro428fs (NM_003593.3); c.1283delC (NM_003593.2); short protein forms P428fs.
Identifiers: ClinVar variation 654271 (VCV000654271.6), dbSNP rs1597567692, ClinGen allele CA915949640.
Genomic context (GRCh38, chr17:28,534,851, plus strand): 5'-CAGGCCCCATCCGGCCCCTGGCACCCCCAGCTGGCCTCTCCCCACCACTGCACTCACTCC[AC>A]CCAGCTCCAGGCCCCATTCCTGGCAAGAACCCCCTGCAGGACCTACTTATGGGGCACACA-3'